The following is an entry in ClinVar:

NM_003079.5(SMARCE1):c.224G>T (p.Arg75Met)

Gene: SMARCE1 (SWI/SNF related BAF chromatin remodeling complex subunit E1; minus strand). Cytogenetic location: 17q21.2.
Variant type: single nucleotide variant.
Coding change: c.224G>T on transcript NM_003079.5 (MANE Select); coding-DNA position 224, G replaced by T.
Protein change: p.Arg75Met; replaces arginine 75 with methionine.
Molecular consequence: missense variant.
Genome position (GRCh38, 1-based): chr17:40,637,505, C>A on the plus strand (G>T on the coding strand, the complement: SMARCE1 is on the minus strand). VCF-style: chr17-40637505-C-A. GRCh37 (hg19) VCF-style: chr17-38793757-C-A.
Other names: short protein forms R75M.
Identifiers: ClinVar variation 3662506 (VCV003662506.2).

ClinVar aggregate classification (germline): Uncertain significance (1 of 4 stars; one submission).

Conditions:
Familial meningioma. Also called: Meningioma, familial, susceptibility to. Identifiers: Orphanet 263662, MedGen C3551915, MONDO:0011789, OMIM 607174.

Submission:

Labcorp Genetics (formerly Invitae), Labcorp
Classification: Uncertain significance for Familial meningioma. Last evaluated: 2024-08-15. Review status: criteria provided, single submitter. Criteria: Invitae Variant Classification Sherloc (09022015). Collection method: clinical testing. Allele origin: germline.
Comment: This sequence change replaces arginine, which is basic and polar, with methionine, which is neutral and non-polar, at codon 75 of the SMARCE1 protein (p.Arg75Met). This variant is not present in population databases (gnomAD no frequency). This variant has not been reported in the literature in individuals affected with SMARCE1-related conditions. Invitae Evidence Modeling of protein sequence and biophysical properties (such as structural, functional, and spatial information, amino acid conservation, physicochemical variation, residue mobility, and thermodynamic stability) indicates that this missense variant is expected to disrupt SMARCE1 protein function with a positive predictive value of 80%. In summary, the available evidence is currently insufficient to determine the role of this variant in disease. Therefore, it has been classified as a Variant of Uncertain Significance.